The following is an entry in ClinVar:

NM_000642.3(AGL):c.326T>C (p.Val109Ala)

Gene: AGL (amylo-alpha-1,6-glucosidase and 4-alpha-glucanotransferase; plus strand). Cytogenetic location: 1p21.2.
Variant type: single nucleotide variant.
Coding change: c.326T>C on transcript NM_000642.3 (MANE Select); coding-DNA position 326, T replaced by C.
Protein change: p.Val109Ala; replaces valine 109 with alanine.
Molecular consequence: missense variant.
Genome position (GRCh38, 1-based): chr1:99,862,289, T>C. VCF-style: chr1-99862289-T-C. GRCh37 (hg19) VCF-style: chr1-100327845-T-C.
Other names: c.326T>C, p.Val109Ala (NM_000028.3, NM_000643.3, NM_000644.3 and 5 more transcripts); c.278T>C, p.Val93Ala (NM_000646.3); short protein forms V93A, V109A.
Identifiers: ClinVar variation 2159460 (VCV002159460.4), dbSNP rs1650111198, ClinGen allele CA341330738.

ClinVar aggregate classification (germline): Uncertain significance (1 of 4 stars; one submission).

Conditions:
Glycogen storage disease type III (GSD3). Also called: FORBES DISEASE; Cori disease. Identifiers: Orphanet 366, MedGen C0017922, MONDO:0009291, OMIM 232400.

Submission:

Labcorp Genetics (formerly Invitae), Labcorp
Classification: Uncertain significance for Glycogen storage disease type III. Last evaluated: 2022-07-02. Review status: criteria provided, single submitter. Criteria: Invitae Variant Classification Sherloc (09022015). Collection method: clinical testing. Allele origin: germline.
Comment: In summary, the available evidence is currently insufficient to determine the role of this variant in disease. Therefore, it has been classified as a Variant of Uncertain Significance. Algorithms developed to predict the effect of missense changes on protein structure and function are either unavailable or do not agree on the potential impact of this missense change (SIFT: "Tolerated"; PolyPhen-2: "Possibly Damaging"; Align-GVGD: "Class C0"). This variant has not been reported in the literature in individuals affected with AGL-related conditions. This variant is not present in population databases (gnomAD no frequency). This sequence change replaces valine, which is neutral and non-polar, with alanine, which is neutral and non-polar, at codon 109 of the AGL protein (p.Val109Ala).